The following is an entry in ClinVar:

ClinVar aggregate classification (germline): Uncertain significance (1 of 4 stars; one submission).

Conditions:
Cardiovascular phenotype. Identifiers: MedGen CN230736.

Allele frequency attached by ClinVar (database versions not stated): ExAC 0.00001.

Submission:

Ambry Genetics
Classification: Uncertain significance for Cardiovascular phenotype. Last evaluated: 2026-08-19. Review status: criteria provided, single submitter. Criteria: Ambry Variant Classification Scheme 2023. Collection method: clinical testing. Allele origin: germline.
Comment: The c.569T>C (p.L190P) alteration is located in exon 4 (coding exon 3) of the APOA5 gene. This alteration results from a T to C substitution at nucleotide position 569, causing the leucine (L) at amino acid position 190 to be replaced by a proline (P). Based on data from gnomAD, the C allele has an overall frequency of <0.001% (1/246586) total alleles studied. The highest observed frequency was <0.001% (/) of alleles. This amino acid position is not well conserved in available vertebrate species. The in silico prediction for this alteration is inconclusive. Based on insufficient or conflicting evidence, the clinical significance of this alteration remains unclear.

NM_001371904.1(APOA5):c.569T>C (p.Leu190Pro)

Gene: APOA5 (apolipoprotein A5; minus strand). Cytogenetic location: 11q23.3.
Variant type: single nucleotide variant.
Coding change: c.569T>C on transcript NM_001371904.1 (MANE Select); coding-DNA position 569, T replaced by C.
Protein change: p.Leu190Pro; replaces leucine 190 with proline.
Molecular consequence: missense variant.
Genome position (GRCh38, 1-based): chr11:116,790,660, A>G on the plus strand (T>C on the coding strand, the complement: APOA5 is on the minus strand). VCF-style: chr11-116790660-A-G. GRCh37 (hg19) VCF-style: chr11-116661376-A-G.
Other names: c.569T>C, p.Leu190Pro (NM_001166598.2, NM_052968.5); short protein forms L190P.
Identifiers: ClinVar variation 1749137 (VCV001749137.3), dbSNP rs770016674, ClinGen allele CA6289050.